The following is an entry in ClinVar:

ClinVar aggregate classification (germline): Uncertain significance (1 of 4 stars; one submission).

Allele frequency attached by ClinVar (database versions not stated): gnomAD 0.00001; gnomAD exomes 0.00001; TOPMed 0.00001; ExAC 0.00002.
gnomAD v4.1: 5 of 1,613,768 alleles (0.00031%); highest among the groups gnomAD compares: Admixed American, 0.005%; no homozygotes.

Submission:

Ambry Genetics
Classification: Uncertain significance. Last evaluated: 2024-01-30. Review status: criteria provided, single submitter. Criteria: Ambry Variant Classification Scheme 2023. Collection method: clinical testing. Allele origin: germline.
Comment: The p.A226T variant (also known as c.676G>A), located in coding exon 8 of the BUB1 gene, results from a G to A substitution at nucleotide position 676. The alanine at codon 226 is replaced by threonine, an amino acid with similar properties. This amino acid position is conserved. In addition, this alteration is predicted to be tolerated by in silico analysis. Since supporting evidence is limited at this time, the clinical significance of this alteration remains unclear.

NM_004336.5(BUB1):c.676G>A (p.Ala226Thr)

Gene: BUB1 (BUB1 mitotic checkpoint serine/threonine kinase; minus strand). Cytogenetic location: 2q13.
Variant type: single nucleotide variant.
Coding change: c.676G>A on transcript NM_004336.5 (MANE Select); coding-DNA position 676, G replaced by A.
Protein change: p.Ala226Thr; replaces alanine 226 with threonine.
Molecular consequence: missense variant.
Genome position (GRCh38, 1-based): chr2:110,667,650, C>T on the plus strand (G>A on the coding strand, the complement: BUB1 is on the minus strand). VCF-style: chr2-110667650-C-T. GRCh37 (hg19) VCF-style: chr2-111425227-C-T.
Other names: c.616G>A, p.Ala206Thr (NM_001278616.2); c.676G>A, p.Ala226Thr (NM_001278617.2); short protein forms A226T, A206T.
Identifiers: ClinVar variation 1755343 (VCV001755343.2), dbSNP rs755647100, ClinGen allele CA1828274.